The following is an entry in ClinVar:

NM_153614.4(DNAJB13):c.172+1G>A

Gene: DNAJB13 (DnaJ heat shock protein family (Hsp40) member B13; plus strand). Cytogenetic location: 11q13.4.
Variant type: single nucleotide variant.
Coding change: c.172+1G>A on transcript NM_153614.4 (MANE Select); the canonical splice donor site of the intron after coding-DNA position 172, G replaced by A.
Molecular consequence: splice donor variant.
Genome position (GRCh38, 1-based): chr11:73,958,421, G>A. VCF-style: chr11-73958421-G-A. GRCh37 (hg19) VCF-style: chr11-73669466-G-A.
Other names: c.-134+1G>A (NM_001377263.1).
Identifiers: ClinVar variation 2961411 (VCV002961411.3), dbSNP rs2495862131, ClinGen allele CA381805095.

ClinVar aggregate classification (germline): Likely pathogenic (1 of 4 stars; one submission).

Allele frequency attached by ClinVar (database versions not stated): gnomAD exomes below 0.00001.
gnomAD v4.1: 3 of 1,613,616 alleles (0.00019%); highest among the groups gnomAD compares: East Asian, 0.0022%; no homozygotes.

Submission:

Labcorp Genetics (formerly Invitae), Labcorp
Classification: Likely pathogenic. Last evaluated: 2023-09-10. Review status: criteria provided, single submitter. Criteria: Invitae Variant Classification Sherloc (09022015). Collection method: clinical testing. Allele origin: germline.
Comment: Algorithms developed to predict the effect of sequence changes on RNA splicing suggest that this variant may disrupt the consensus splice site. This sequence change affects a donor splice site in intron 2 of the DNAJB13 gene. It is expected to disrupt RNA splicing. Variants that disrupt the donor or acceptor splice site typically lead to a loss of protein function (PMID: 16199547), and loss-of-function variants in DNAJB13 are known to be pathogenic (PMID: 27486783, 31650533). This variant is not present in population databases (gnomAD no frequency). This variant has not been reported in the literature in individuals affected with DNAJB13-related conditions. In summary, the currently available evidence indicates that the variant is pathogenic, but additional data are needed to prove that conclusively. Therefore, this variant has been classified as Likely Pathogenic.

Literature cited by the submitters: PubMed 16199547; PubMed 27486783; PubMed 31650533.